The following is an entry in ClinVar:

ClinVar aggregate classification (germline): Benign (1 of 4 stars; one submission).

Conditions:
Polydactyly of a triphalangeal thumb. Also called: Polydactyly, preaxial type II; POLYDACTYLY OF TRIPHALANGEAL THUMB; TRIPHALANGEAL THUMB-POLYDACTYLY SYNDROME. Identifiers: Orphanet 2439, Orphanet 2950, Orphanet 93336, MedGen C1868114, MONDO:0008270, OMIM 174500.

Allele frequency attached by ClinVar (database versions not stated): TOPMed 0.00085; gnomAD 0.00090 and 0.00093; 1000 Genomes Project 0.00120; 1000 Genomes Project 30x 0.00141.
gnomAD v4.1: 136 of 152,376 alleles (0.089%); highest among the groups gnomAD compares: African/African-American, 0.31%; 1 homozygote.

Submission:

Illumina Laboratory Services, Illumina
Classification: Benign for Polydactyly of a triphalangeal thumb. Last evaluated: 2018-01-13. Review status: criteria provided, single submitter. Criteria: ICSL Variant Classification Criteria 13 December 2019. Collection method: clinical testing. Allele origin: germline.
Comment: This variant was observed in the ICSL laboratory as part of a predisposition screen in an ostensibly healthy population. It had not been previously curated by ICSL or reported in the Human Gene Mutation Database (HGMD: prior to June 1st, 2018), and was therefore a candidate for classification through an automated scoring system. Utilizing variant allele frequency, disease prevalence and penetrance estimates, and inheritance mode, an automated score was calculated to assess if this variant is too frequent to cause the disease. Based on the score and internal cut-off values, a variant classified as benign is not then subjected to further curation. The score for this variant resulted in a classification of benign for this disease.

NM_022458.4(LMBR1):c.*1061A>G

Gene: LMBR1 (limb development membrane protein 1; minus strand). Cytogenetic location: 7q36.3.
Variant type: single nucleotide variant.
Coding change: c.*1061A>G on transcript NM_022458.4 (MANE Select); 1061 bases downstream of the stop codon, A replaced by G.
Molecular consequence: 3 prime UTR variant. On other transcripts: non-coding transcript variant (2).
Genome position (GRCh38, 1-based): chr7:156,683,017, T>C on the plus strand (A>G on the coding strand, the complement: LMBR1 is on the minus strand). VCF-style: chr7-156683017-T-C. GRCh37 (hg19) VCF-style: chr7-156475711-T-C.
Other names: c.*1061A>G (NM_001350953.2, NM_001350954.2, NM_001350955.2 and 8 more transcripts).
Identifiers: ClinVar variation 911170 (VCV000911170.4), dbSNP rs138905233, ClinGen allele CA169435965.
Genomic context (GRCh38, chr7:156,683,017, plus strand): 5'-ATTCAGTGGACTTAAAGCCAAGAAACCATCCCAATAATTATTTACAATTTAATAACTGAA[T>C]GATTATCAGATCGTGTTATACTGCAAAACTGTTCTTACACCATGAATGCTGATGCTGTGA-3'